The following is an entry in ClinVar:

NM_001365999.1(SZT2):c.8151+5C>A

Gene: SZT2 (SZT2 subunit of KICSTOR complex; plus strand). Cytogenetic location: 1p34.2.
Variant type: single nucleotide variant.
Coding change: c.8151+5C>A on transcript NM_001365999.1 (MANE Select); 5 bases into the intron after coding-DNA position 8151, C replaced by A.
Molecular consequence: intron variant.
Genome position (GRCh38, 1-based): chr1:43,442,623, C>A. VCF-style: chr1-43442623-C-A. GRCh37 (hg19) VCF-style: chr1-43908294-C-A.
Other names: c.7980+5C>A (NM_015284.4).
Identifiers: ClinVar variation 945530 (VCV000945530.9), dbSNP rs754279823, ClinGen allele CA810453.

ClinVar aggregate classification (germline): Uncertain significance (1 of 4 stars; one submission).

Allele frequency attached by ClinVar (database versions not stated): ExAC 0.00001; gnomAD exomes 0.00001; TOPMed 0.00001.
gnomAD v4.1: 15 of 1,595,072 alleles (0.00094%); highest among the groups gnomAD compares: Non-Finnish European, 0.0012%; no homozygotes.

Submission:

Labcorp Genetics (formerly Invitae), Labcorp
Classification: Uncertain significance. Last evaluated: 2022-10-17. Review status: criteria provided, single submitter. Criteria: Invitae Variant Classification Sherloc (09022015). Collection method: clinical testing. Allele origin: germline.
Comment: In summary, the available evidence is currently insufficient to determine the role of this variant in disease. Therefore, it has been classified as a Variant of Uncertain Significance. Variants that disrupt the consensus splice site are a relatively common cause of aberrant splicing (PMID: 17576681, 9536098). Algorithms developed to predict the effect of sequence changes on RNA splicing suggest that this variant is not likely to affect RNA splicing. ClinVar contains an entry for this variant (Variation ID: 945530). This variant has not been reported in the literature in individuals affected with SZT2-related conditions. This variant is present in population databases (rs754279823, gnomAD 0.002%). This sequence change falls in intron 57 of the SZT2 gene. It does not directly change the encoded amino acid sequence of the SZT2 protein. It affects a nucleotide within the consensus splice site.

Literature cited by the submitters: PubMed 17576681; PubMed 9536098.